The following is an entry in ClinVar:

NM_018417.6(ADCY10):c.1378T>C (p.Tyr460His)

Genes: ADCY10 (adenylate cyclase 10; minus strand), DCAF6 (DDB1 and CUL4 associated factor 6; plus strand). Cytogenetic location: 1q24.2.
Variant type: single nucleotide variant.
Coding change: c.1378T>C on transcript NM_018417.6 (MANE Select); coding-DNA position 1378, T replaced by C.
Protein change: p.Tyr460His; replaces tyrosine 460 with histidine.
Molecular consequence: missense variant.
Genome position (GRCh38, 1-based): chr1:167,878,474, A>G on the plus strand (T>C on the coding strand, the complement: ADCY10 is on the minus strand). VCF-style: chr1-167878474-A-G. GRCh37 (hg19) VCF-style: chr1-167847712-A-G.
Other names: c.919T>C, p.Tyr307His (NM_001167749.3); c.1102T>C, p.Tyr368His (NM_001297772.2); short protein forms Y368H, Y460H, Y307H.
Identifiers: ClinVar variation 2796200 (VCV002796200.3), dbSNP rs1377602795, ClinGen allele CA343097089.

ClinVar aggregate classification (germline): Uncertain significance (1 of 4 stars; one submission).

Allele frequency attached by ClinVar (database versions not stated): gnomAD exomes below 0.00001; TOPMed below 0.00001; gnomAD 0.00001.
gnomAD v4.1: 3 of 1,614,046 alleles (0.00019%); highest among the groups gnomAD compares: Admixed American, 0.005%; no homozygotes.

Submission:

Labcorp Genetics (formerly Invitae), Labcorp
Classification: Uncertain significance. Last evaluated: 2023-06-23. Review status: criteria provided, single submitter. Criteria: Invitae Variant Classification Sherloc (09022015). Collection method: clinical testing. Allele origin: germline.
Comment: In summary, the available evidence is currently insufficient to determine the role of this variant in disease. Therefore, it has been classified as a Variant of Uncertain Significance. An algorithm developed to predict the effect of missense changes on protein structure and function (PolyPhen-2) suggests that this variant is likely to be disruptive. This variant has not been reported in the literature in individuals affected with ADCY10-related conditions. This variant is present in population databases (no rsID available, gnomAD 0.006%). This sequence change replaces tyrosine, which is neutral and polar, with histidine, which is basic and polar, at codon 460 of the ADCY10 protein (p.Tyr460His).